The following is an entry in ClinVar:

NM_001379286.1(ZNF423):c.2572A>C (p.Thr858Pro)

Gene: ZNF423 (zinc finger protein 423; minus strand). Cytogenetic location: 16q12.1.
Variant type: single nucleotide variant.
Coding change: c.2572A>C on transcript NM_001379286.1 (MANE Select); coding-DNA position 2572, A replaced by C.
Protein change: p.Thr858Pro; replaces threonine 858 with proline.
Molecular consequence: missense variant.
Genome position (GRCh38, 1-based): chr16:49,636,604, T>G on the plus strand (A>C on the coding strand, the complement: ZNF423 is on the minus strand). VCF-style: chr16-49636604-T-G. GRCh37 (hg19) VCF-style: chr16-49670515-T-G.
Other names: c.2368A>C, p.Thr790Pro (NM_001271620.2); c.2197A>C, p.Thr733Pro (NM_001330533.2); c.2548A>C, p.Thr850Pro (NM_015069.5); short protein forms T733P, T790P, T850P, T858P.
Identifiers: ClinVar variation 2646502 (VCV002646502.24), dbSNP rs2506987762, ClinGen allele CA395842444.

ClinVar aggregate classification (germline): Uncertain significance (1 of 4 stars; one submission).

Submission:

CeGaT Center for Human Genetics Tuebingen
Classification: Uncertain significance. Last evaluated: 2023-09-01. Review status: criteria provided, single submitter. Criteria: CeGaT Center For Human Genetics Tuebingen Variant Classification Criteria Version 2. Collection method: clinical testing. Allele origin: germline. Affected: yes. Observed: 1 variant allele.
Comment: ZNF423: PM2, BP4